The following is an entry in ClinVar:

NM_198904.4(GABRG2):c.259+2T>A

Gene: GABRG2 (gamma-aminobutyric acid type A receptor subunit gamma2; plus strand). Cytogenetic location: 5q34.
Variant type: single nucleotide variant.
Coding change: c.259+2T>A on transcript NM_198904.4 (MANE Select); the canonical splice donor site of the intron after coding-DNA position 259, T replaced by A.
Molecular consequence: splice donor variant.
Genome position (GRCh38, 1-based): chr5:162,093,981, T>A. VCF-style: chr5-162093981-T-A. GRCh37 (hg19) VCF-style: chr5-161520987-T-A.
Other names: c.-27+2T>A (NM_001375349.1); c.259+2T>A (NM_001375343.1, NM_001375344.1, NM_001375340.1 and 4 more transcripts); c.-100+2T>A (NM_001375350.1, NM_001375348.1); c.250+2T>A (NM_001375339.1); c.193+2T>A (NM_001375346.1, NM_001375345.1); c.172+2T>A (NM_001375347.1).
Identifiers: ClinVar variation 1067627 (VCV001067627.7), dbSNP rs2113298770, ClinGen allele CA362183165.

ClinVar aggregate classification (germline): Likely pathogenic (1 of 4 stars; one submission).

Conditions:
EPILEPSY, CHILDHOOD ABSENCE, SUSCEPTIBILITY TO, 2 (ECA2). Identifiers: Orphanet 64280, MedGen C1843244, OMIM 607681.
Febrile seizures, familial, 8 (FEB8). Also called: CONVULSIONS, FAMILIAL FEBRILE, 8. Identifiers: Orphanet 36387, MedGen C1969810, MONDO:0011891, OMIM 607681.

Submission:

Labcorp Genetics (formerly Invitae), Labcorp
Classification: Likely pathogenic for Febrile seizures, familial, 8; EPILEPSY, CHILDHOOD ABSENCE, SUSCEPTIBILITY TO, 2. Last evaluated: 2023-05-15. Review status: criteria provided, single submitter. Criteria: Invitae Variant Classification Sherloc (09022015). Collection method: clinical testing. Allele origin: germline.
Comment: In summary, the currently available evidence indicates that the variant is pathogenic, but additional data are needed to prove that conclusively. Therefore, this variant has been classified as Likely Pathogenic. Algorithms developed to predict the effect of sequence changes on RNA splicing suggest that this variant may disrupt the consensus splice site. This sequence change affects a donor splice site in intron 2 of the GABRG2 gene. It is expected to disrupt RNA splicing. Variants that disrupt the donor or acceptor splice site typically lead to a loss of protein function (PMID: 16199547), and loss-of-function variants in GABRG2 are known to be pathogenic (PMID: 22539854, 22750526, 24407264). This variant is not present in population databases (gnomAD no frequency). This variant has not been reported in the literature in individuals affected with GABRG2-related conditions. ClinVar contains an entry for this variant (Variation ID: 1067627).

Literature cited by the submitters: PubMed 16199547; PubMed 22539854; PubMed 22750526; PubMed 24407264.